The following is an entry in ClinVar:

ClinVar aggregate classification (germline): Uncertain significance (1 of 4 stars; one submission).

Conditions:
Giant axonal neuropathy 1 (GAN1). Also called: GIANT AXONAL NEUROPATHY 1, AUTOSOMAL RECESSIVE; GAN-Related Neurodegeneration. Identifiers: Orphanet 643, MedGen C1850386, MONDO:0009749, OMIM 256850.

Allele frequency attached by ClinVar (database versions not stated): ExAC 0.00003; gnomAD exomes 0.00003; gnomAD 0.00006; ESP Exome Variant Server 0.00015.
gnomAD v4.1: 15 of 1,613,590 alleles (0.00093%); highest among the groups gnomAD compares: African/African-American, 0.02%; no homozygotes.

Submission:

Labcorp Genetics (formerly Invitae), Labcorp
Classification: Uncertain significance for Giant axonal neuropathy 1. Last evaluated: 2021-04-10. Review status: criteria provided, single submitter. Criteria: Invitae Variant Classification Sherloc (09022015). Collection method: clinical testing. Allele origin: germline.
Comment: In summary, the available evidence is currently insufficient to determine the role of this variant in disease. Therefore, it has been classified as a Variant of Uncertain Significance. Algorithms developed to predict the effect of missense changes on protein structure and function are either unavailable or do not agree on the potential impact of this missense change (SIFT: "Deleterious"; PolyPhen-2: "Benign"; Align-GVGD: "Class C0"). This variant has not been reported in the literature in individuals with GAN-related conditions. This variant is present in population databases (rs373811145, ExAC 0.04%). This sequence change replaces asparagine with lysine at codon 265 of the GAN protein (p.Asn265Lys). The asparagine residue is weakly conserved and there is a moderate physicochemical difference between asparagine and lysine.

NM_022041.4(GAN):c.795C>G (p.Asn265Lys)

Gene: GAN (gigaxonin; plus strand). Cytogenetic location: 16q23.2.
Variant type: single nucleotide variant.
Coding change: c.795C>G on transcript NM_022041.4 (MANE Select); coding-DNA position 795, C replaced by G.
Protein change: p.Asn265Lys; replaces asparagine 265 with lysine.
Molecular consequence: missense variant.
Genome position (GRCh38, 1-based): chr16:81,356,946, C>G. VCF-style: chr16-81356946-C-G. GRCh37 (hg19) VCF-style: chr16-81390551-C-G.
Other names: c.156C>G, p.Asn52Lys (NM_001377486.1); short protein forms N52K, N265K.
Identifiers: ClinVar variation 1405147 (VCV001405147.8), dbSNP rs373811145, ClinGen allele CA8191484.